The following is an entry in ClinVar:

NM_000528.4(MAN2B1):c.2923+50G>A

Gene: MAN2B1 (mannosidase alpha class 2B member 1; minus strand). Cytogenetic location: 19p13.13.
Variant type: single nucleotide variant.
Coding change: c.2923+50G>A on transcript NM_000528.4 (MANE Select); 50 bases into the intron after coding-DNA position 2923, G replaced by A.
Molecular consequence: intron variant.
Genome position (GRCh38, 1-based): chr19:12,647,183, C>T on the plus strand (G>A on the coding strand, the complement: MAN2B1 is on the minus strand). VCF-style: chr19-12647183-C-T. GRCh37 (hg19) VCF-style: chr19-12757997-C-T.
Other names: c.2920+50G>A (NM_001173498.2).
Identifiers: ClinVar variation 2430691 (VCV002430691.1), dbSNP rs59556856, ClinGen allele CA9225869.

ClinVar aggregate classification (germline): Likely benign (1 of 4 stars; one submission).

Allele frequency attached by ClinVar (database versions not stated): ExAC 0.00263; TOPMed 0.00827; ESP Exome Variant Server 0.00884; 1000 Genomes Project 0.01138; 1000 Genomes Project 30x 0.01234.
gnomAD v4.1: 2,182 of 1,514,120 alleles (0.14%); highest among the groups gnomAD compares: African/African-American, 2.7%; 34 homozygotes.

Submission:

GeneDx
Classification: Likely benign. Last evaluated: 2021-06-24. Review status: criteria provided, single submitter. Criteria: GeneDx Variant Classification Process June 2021. Collection method: clinical testing. Allele origin: germline. Affected: yes.
Comment: See Variant Classification Assertion Criteria.